The following is an entry in ClinVar:

NM_001201543.2(FAM161A):c.58A>G (p.Asn20Asp)

Genes: FAM161A (FAM161 centrosomal protein A; minus strand), LOC129933843 (ATAC-STARR-seq lymphoblastoid active region 15839; plus strand). Cytogenetic location: 2p15.
Variant type: single nucleotide variant.
Coding change: c.58A>G on transcript NM_001201543.2 (MANE Select); coding-DNA position 58, A replaced by G.
Protein change: p.Asn20Asp; replaces asparagine 20 with aspartic acid.
Molecular consequence: missense variant. On other transcripts: non-coding transcript variant (1).
Genome position (GRCh38, 1-based): chr2:61,853,984, T>C on the plus strand (A>G on the coding strand, the complement: FAM161A is on the minus strand). VCF-style: chr2-61853984-T-C. GRCh37 (hg19) VCF-style: chr2-62081119-T-C.
Other names: c.58A>G, p.Asn20Asp (NM_032180.3); c.58A>G (NM_001201543.1); short protein forms N20D.
Identifiers: ClinVar variation 2059981 (VCV002059981.3), dbSNP rs757086767, ClinGen allele CA1679452.

ClinVar aggregate classification (germline): Uncertain significance. Review status: criteria provided, multiple submitters, no conflicts (2 of 4 stars). 3 submissions from 3 submitters: Uncertain significance (3). Last evaluated 2025-12-09.

Conditions:
Inborn genetic diseases. Identifiers: MedGen C0950123, MeSH D030342.
FAM161A-related disorder. Also called: FAM161A-related condition.

Allele frequency attached by ClinVar (database versions not stated): gnomAD exomes 0.00001; TOPMed 0.00002; gnomAD 0.00003; ExAC 0.00004.
gnomAD v4.1: 22 of 1,613,622 alleles (0.0014%); highest among the groups gnomAD compares: Middle Eastern, 0.049%; no homozygotes.

Submissions (3):

Ambry Genetics
Classification: Uncertain significance for Inborn genetic diseases. Last evaluated: 2025-12-09. Review status: criteria provided, single submitter. Criteria: Ambry Variant Classification Scheme 2023. Collection method: clinical testing. Allele origin: germline.

PreventionGenetics, part of Exact Sciences
Classification: Uncertain significance for FAM161A-related condition. Last evaluated: 2025-11-24. Review status: criteria provided, single submitter. Criteria: ACMG Guidelines, 2015. Collection method: clinical testing. Allele origin: germline.
Comment: The FAM161A c.58A>G variant is predicted to result in the amino acid substitution p.Asn20Asp. To our knowledge, this variant has not been reported in the literature. This variant is reported in 0.0063% of alleles in individuals of European (Non-Finnish) descent in gnomAD. At this time, the clinical significance of this variant is uncertain due to the absence of conclusive functional and genetic evidence.

Labcorp Genetics (formerly Invitae), Labcorp
Classification: Uncertain significance. Last evaluated: 2022-08-23. Review status: criteria provided, single submitter. Criteria: Invitae Variant Classification Sherloc (09022015). Collection method: clinical testing. Allele origin: germline.
Comment: This sequence change replaces asparagine, which is neutral and polar, with aspartic acid, which is acidic and polar, at codon 20 of the FAM161A protein (p.Asn20Asp). The frequency data for this variant in the population databases is considered unreliable, as metrics indicate poor data quality at this position in the gnomAD database. This variant has not been reported in the literature in individuals affected with FAM161A-related conditions. Algorithms developed to predict the effect of missense changes on protein structure and function output the following: SIFT: "Tolerated"; PolyPhen-2: "Benign"; Align-GVGD: "Class C0". The aspartic acid amino acid residue is found in multiple mammalian species, which suggests that this missense change does not adversely affect protein function. In summary, the available evidence is currently insufficient to determine the role of this variant in disease. Therefore, it has been classified as a Variant of Uncertain Significance.